The following is an entry in ClinVar:

NM_000275.3(OCA2):c.128del (p.Gly43fs)

Gene: OCA2 (OCA2 melanosomal transmembrane protein; minus strand). Cytogenetic location: 15q13.1.
Variant type: Deletion.
Coding change: c.128del on transcript NM_000275.3 (MANE Select); coding-DNA position 128, one base deleted (G; older notation c.128delG).
Protein change: p.Gly43fs; shifts the reading frame from glycine 43.
Molecular consequence: frameshift variant.
Genome position (GRCh38, 1-based): chr15:28,081,747, C deleted on the plus strand (G on the coding strand, the reverse complement: OCA2 is on the minus strand); the first of 2 consecutive C bases (chr15:28,081,747-28,081,748); deleting either gives the same sequence. VCF-style (leftmost placement, unchanged base first): chr15-28081746-AC-A. GRCh37 (hg19) VCF-style: chr15-28326892-AC-A.
Other names: c.128del, p.Gly43fs (NM_001300984.2); short protein forms G43fs.
Identifiers: ClinVar variation 5016148 (VCV005016148.1).

ClinVar aggregate classification (germline): Pathogenic (1 of 4 stars; one submission).

Conditions:
Tyrosinase-positive oculocutaneous albinism (OCA2). Also called: ALBINISM II; Oculocutaneous albinism type 2; Albinism, oculocutaneous, type II. Identifiers: Orphanet 79432, MedGen C0268495, MONDO:0008746, OMIM 203200.

Submission:

Myriad Genetics, Inc.
Classification: Pathogenic for Tyrosinase-positive oculocutaneous albinism. Last evaluated: 2026-07-22. Review status: criteria provided, single submitter. Criteria: Myriad Autosomal Dominant, Autosomal Recessive and X-Linked Classification Criteria (2023). Collection method: clinical testing. Allele origin: unknown.
Comment: NM_000275.2(OCA2):c.128delG(G43Vfs*59) is expected to be pathogenic in the context of oculocutaneous albinism, OCA2-related. This variant is predicted to lead to an abnormal or absent protein product due to the creation of a premature termination codon in OCA2, a gene where loss-of-function variants are known to be pathogenic. Please note: this variant was assessed in the context of healthy population screening.